The following is an entry in ClinVar:

NM_001042492.3(NF1):c.2736A>C (p.Gln912His)

Gene: NF1 (neurofibromin 1; plus strand). Cytogenetic location: 17q11.2.
Variant type: single nucleotide variant.
Coding change: c.2736A>C on transcript NM_001042492.3 (MANE Select); coding-DNA position 2736, A replaced by C.
Protein change: p.Gln912His; replaces glutamine 912 with histidine.
Molecular consequence: missense variant.
Genome position (GRCh38, 1-based): chr17:31,229,351, A>C. VCF-style: chr17-31229351-A-C. GRCh37 (hg19) VCF-style: chr17-29556369-A-C.
Other names: c.2736A>C, p.Gln912His (NM_000267.4); short protein forms Q912H.
Identifiers: ClinVar variation 3404674 (VCV003404674.1).

ClinVar aggregate classification (germline): Uncertain significance (1 of 4 stars; one submission).

Conditions:
Hereditary cancer-predisposing syndrome. Also called: Hereditary Cancer Syndrome; Tumor predisposition; Hereditary neoplastic syndrome; Neoplastic Syndromes, Hereditary. Identifiers: Orphanet 140162, MedGen C0027672, MeSH D009386, MONDO:0015356.
Cardiovascular phenotype. Identifiers: MedGen CN230736.

Submission:

Ambry Genetics
Classification: Uncertain significance for Cardiovascular phenotype; Hereditary cancer-predisposing syndrome. Last evaluated: 2024-08-08. Review status: criteria provided, single submitter. Criteria: Ambry Variant Classification Scheme 2023. Collection method: clinical testing. Allele origin: germline.
Comment: The p.Q912H variant (also known as c.2736A>C), located in coding exon 21 of the NF1 gene, results from an A to C substitution at nucleotide position 2736. The glutamine at codon 912 is replaced by histidine, an amino acid with highly similar properties. This amino acid position is well conserved in available vertebrate species. In addition, this alteration is predicted to be tolerated by in silico analysis. Based on the available evidence, the clinical significance of this variant remains unclear.